The following is an entry in ClinVar:

ClinVar aggregate classification (germline): Uncertain significance (1 of 4 stars; one submission).

Conditions:
Schaaf-Yang syndrome (SHFYNG). Also called: MAGEL2-related Prader-Willi-like syndrome; Arthrogryposis, distal, with hypopituitarism, intellectual disability, and facial anomalies. Identifiers: Orphanet 398069, MedGen C5575066, MONDO:0014243, OMIM 615547.

Submission:

OLLIN Analises Genomicas, OLLIN
Classification: Uncertain significance for Schaaf-Yang syndrome. Last evaluated: 2026-08-06. Review status: criteria provided, single submitter. Criteria: ACMG Guidelines 2015 PMID 25741868. Collection method: clinical testing. Allele origin: germline. Inheritance: Autosomal dominant inheritance.
Comment: This frameshift variant, located in exon 1 (of 1), has been observed in gnomAD with an allele frequency of 0.0013%, but has not been reported in ClinVar or identified in the literature. This variant causes a frameshift and introduces a premature stop codon, which is predicted to result in either a truncated protein or degradation of the mRNA via nonsense-mediated decay (NMD). According to the currently available evidence, this variant has been classified as uncertain significance (PVS1_S).

NM_019066.5(MAGEL2):c.1385_1386insACCCGTGATC (p.Ala463fs)

Gene: MAGEL2 (MAGE family member L2; minus strand). Cytogenetic location: 15q11.2.
Variant type: Insertion.
Coding change: c.1385_1386insACCCGTGATC on transcript NM_019066.5 (MANE Select); coding-DNA positions 1385 to 1386, ACCCGTGATC inserted.
Protein change: p.Ala463fs; shifts the reading frame from alanine 463.
Molecular consequence: frameshift variant.
Genome position: GRCh38 VCF-style: chr15-23646357-G-GGATCACGGGT. GRCh37 (hg19) VCF-style: chr15-23891504-G-GGATCACGGGT.
Other names: short protein forms A463fs.
Identifiers: ClinVar variation 5003165 (VCV005003165.1).
Genomic context (GRCh38, chr15:23,646,357, plus strand): 5'-AGCCTGGCGGATCACAGGTGGGGCCTGGCGGATCACAGGTGGGGCCTGGCGGATCACAGC[G>GGATCACGGGT]GGGGCCTGGCGGATCACGGGTGGGGCCTGGCGGATCACGGGTGGGGCCTGGCGGATCACC-3'